The following is an entry in ClinVar:

NM_052947.4(ALPK2):c.2084G>A (p.Gly695Glu)

Gene: ALPK2 (alpha kinase 2; minus strand). Cytogenetic location: 18q21.31.
Variant type: single nucleotide variant.
Coding change: c.2084G>A on transcript NM_052947.4 (MANE Select); coding-DNA position 2084, G replaced by A.
Protein change: p.Gly695Glu; replaces glycine 695 with glutamic acid.
Molecular consequence: missense variant.
Genome position (GRCh38, 1-based): chr18:58,538,103, C>T on the plus strand (G>A on the coding strand, the complement: ALPK2 is on the minus strand). VCF-style: chr18-58538103-C-T. GRCh37 (hg19) VCF-style: chr18-56205335-C-T.
Other names: short protein forms G695E.
Identifiers: ClinVar variation 3531828 (VCV003531828.1).

ClinVar aggregate classification (germline): Uncertain significance (1 of 4 stars; one submission).

Submission:

Ambry Genetics
Classification: Uncertain significance. Last evaluated: 2024-10-21. Review status: criteria provided, single submitter. Criteria: Ambry Variant Classification Scheme 2023. Collection method: clinical testing. Allele origin: germline.
Comment: The p.G695E variant (also known as c.2084G>A), located in coding exon 4 of the ALPK2 gene, results from a G to A substitution at nucleotide position 2084. The glycine at codon 695 is replaced by glutamic acid, an amino acid with similar properties. This amino acid position is conserved. In addition, this alteration is predicted to be tolerated by in silico analysis. Based on the available evidence, the clinical significance of this variant remains unclear.